The following is an entry in ClinVar:

ClinVar aggregate classification (germline): Uncertain significance. Review status: criteria provided, multiple submitters, no conflicts (2 of 4 stars). 2 submissions from 2 submitters: Uncertain significance (2). Last evaluated 2024-12-12.

Conditions:
Brachyolmia-amelogenesis imperfecta syndrome. Also called: PLATYSPONDYLY WITH AMELOGENESIS IMPERFECTA; Tooth agenesis, selective, 6; Dental anomalies and short stature. Identifiers: Orphanet 2899, MedGen C1832594, MONDO:0011018, OMIM 601216. Disease mechanism: loss of function.
Inborn genetic diseases. Identifiers: MedGen C0950123, MeSH D030342.

Allele frequency attached by ClinVar (database versions not stated): ExAC 0.00001; gnomAD exomes 0.00001.
gnomAD v4.1: 18 of 1,613,884 alleles (0.0011%); highest among the groups gnomAD compares: Non-Finnish European, 0.0015%; no homozygotes.

Submissions (2):

Labcorp Genetics (formerly Invitae), Labcorp
Classification: Uncertain significance for Brachyolmia-amelogenesis imperfecta syndrome. Last evaluated: 2024-12-12. Review status: criteria provided, single submitter. Criteria: Invitae Variant Classification Sherloc (09022015). Collection method: clinical testing. Allele origin: germline.
Comment: This sequence change replaces aspartic acid, which is acidic and polar, with asparagine, which is neutral and polar, at codon 672 of the LTBP3 protein (p.Asp672Asn). This variant is present in population databases (rs758178497, gnomAD 0.002%). This variant has not been reported in the literature in individuals affected with LTBP3-related conditions. ClinVar contains an entry for this variant (Variation ID: 2562654). An algorithm developed to predict the effect of missense changes on protein structure and function (PolyPhen-2) suggests that this variant is likely to be disruptive. In summary, the available evidence is currently insufficient to determine the role of this variant in disease. Therefore, it has been classified as a Variant of Uncertain Significance.

Ambry Genetics
Classification: Uncertain significance for Inborn genetic diseases. Last evaluated: 2023-04-13. Review status: criteria provided, single submitter. Criteria: Ambry Variant Classification Scheme 2023. Collection method: clinical testing. Allele origin: germline.
Comment: The p.D672N variant (also known as c.2014G>A), located in coding exon 14 of the LTBP3 gene, results from a G to A substitution at nucleotide position 2014. The aspartic acid at codon 672 is replaced by asparagine, an amino acid with highly similar properties. This amino acid position is conserved. In addition, this alteration is predicted to be tolerated by in silico analysis. Since supporting evidence is limited at this time, the clinical significance of this alteration remains unclear.

NM_001130144.3(LTBP3):c.2014G>A (p.Asp672Asn)

Gene: LTBP3 (latent transforming growth factor beta binding protein 3; minus strand). Cytogenetic location: 11q13.1.
Variant type: single nucleotide variant.
Coding change: c.2014G>A on transcript NM_001130144.3 (MANE Select); coding-DNA position 2014, G replaced by A.
Protein change: p.Asp672Asn; replaces aspartic acid 672 with asparagine.
Molecular consequence: missense variant.
Genome position (GRCh38, 1-based): chr11:65,547,532, C>T on the plus strand (G>A on the coding strand, the complement: LTBP3 is on the minus strand). VCF-style: chr11-65547532-C-T. GRCh37 (hg19) VCF-style: chr11-65315003-C-T.
Other names: c.1663G>A, p.Asp555Asn (NM_001164266.1); c.2014G>A, p.Asp672Asn (NM_021070.4); short protein forms D555N, D672N.
Identifiers: ClinVar variation 2562654 (VCV002562654.5), dbSNP rs758178497, ClinGen allele CA6100761.